The following is an entry in ClinVar:

NM_001018115.3(FANCD2):c.1920del (p.Gln640fs)

Genes: FANCD2 (FA complementation group D2; plus strand), LOC107303338 (3p25 FANCD2 Alu-mediated recombination region; plus strand). Cytogenetic location: 3p25.3.
Variant type: Deletion.
Coding change: c.1920del on transcript NM_001018115.3 (MANE Select); coding-DNA position 1920, one base deleted (A; older notation c.1920delA).
Protein change: p.Gln640fs; shifts the reading frame from glutamine 640.
Molecular consequence: frameshift variant.
Genome position (GRCh38, 1-based): chr3:10,063,884, A deleted; the last of 2 consecutive A bases (chr3:10,063,883-10,063,884); deleting either gives the same sequence. VCF-style (leftmost placement, unchanged base first): chr3-10063882-CA-C. GRCh37 (hg19) VCF-style: chr3-10105566-CA-C.
Other names: c.1920del, p.Gln640fs (NM_001319984.2, NM_001374254.1, NM_033084.6); c.1809del, p.Gln603fs (NM_001374253.1); short protein forms Q603fs, Q640fs.
Identifiers: ClinVar variation 4082431 (VCV004082431.2).
Genomic context (GRCh38, chr3:10,063,882, plus strand): 5'-TGCAGTGAGCAGTCTCCTCAGGCCTCTGCACTTTACTATGATGAATTTGCCAACCTGATC[CA>C]ACATGAAAAGCTGGATCCAAAAGCCCTGGTAAAGCCAATTGTCTTTTCTTAAAGCAATAA-3'

ClinVar aggregate classification (germline): Likely pathogenic (1 of 4 stars; one submission).

Submission:

Genetic Services Laboratory, University of Chicago
Classification: Likely pathogenic. Last evaluated: 2024-09-27. Review status: criteria provided, single submitter. Criteria: ACMG Guidelines, 2015. Collection method: clinical testing. Allele origin: germline. Affected: yes.
Comment: DNA sequence analysis of the FANCD2 gene demonstrated a single base pair deletion in exon 21, c.1920del. This sequence change results in an amino acid frameshift and creates a premature stop codon 25 amino acids downstream of the change, p.Gln640Hisfs*26. This deletion is predicted to result in an abnormal transcript, which may be degraded, or may lead to the production of a truncated FANCD2 protein with potentially abnormal function. The c.1920del sequence change has not been described in population databases such as ExAC and gnomAD This particular sequence change does not appear to have been previously reported in individuals with FANCD2-related disorders, however nonsense or frameshift variants downstream of this sequence change have been described in individuals with Fanconi anemia (PMID: 17436244, 31586946). Collectively, this evidence indicates this sequence change is likely pathogenic, however functional studies have not been performed to prove this conclusively.